The following is an entry in ClinVar:

NM_002294.3(LAMP2):c.601A>G (p.Ile201Val)

Gene: LAMP2 (lysosome associated membrane protein 2; minus strand). Cytogenetic location: Xq24.
Variant type: single nucleotide variant.
Coding change: c.601A>G on transcript NM_002294.3 (MANE Select); coding-DNA position 601, A replaced by G.
Protein change: p.Ile201Val; replaces isoleucine 201 with valine.
Molecular consequence: missense variant.
Genome position (GRCh38, 1-based): chrX:120,447,981, T>C on the plus strand (A>G on the coding strand, the complement: LAMP2 is on the minus strand). VCF-style: chrX-120447981-T-C. GRCh37 (hg19) VCF-style: chrX-119581836-T-C.
Other names: c.601A>G, p.Ile201Val (NM_001122606.1, NM_013995.2); short protein forms I201V.
Identifiers: ClinVar variation 518999 (VCV000518999.14), dbSNP rs1362738445, ClinGen allele CA414401631.

ClinVar aggregate classification (germline): Conflicting classifications of pathogenicity. Review status: criteria provided, conflicting classifications (1 of 4 stars). 4 submissions from 4 submitters: Uncertain significance (3); Likely benign (1). Last evaluated 2024-11-26.

Conditions:
Cardiovascular phenotype. Identifiers: MedGen CN230736.
Danon disease. Also called: PSEUDOGLYCOGENOSIS II; GSD IIb; LYSOSOMAL GLYCOGEN STORAGE DISEASE WITHOUT ACID MALTASE DEFICIENCY; ANTOPOL DISEASE; Glycogen Storage Disease Type IIb. Identifiers: Orphanet 34587, MedGen C0878677, MONDO:0010281, OMIM 300257.

Allele frequency attached by ClinVar (database versions not stated): TOPMed 0.00002; gnomAD 0.00003; gnomAD exomes 0.00003.
gnomAD v4.1: 39 of 1,208,499 alleles (0.0032%); highest among the groups gnomAD compares: Non-Finnish European, 0.0042%; no homozygotes.

Submissions (4):

Labcorp Genetics (formerly Invitae), Labcorp
Classification: Uncertain significance for Danon disease. Last evaluated: 2024-11-26. Review status: criteria provided, single submitter. Criteria: Invitae Variant Classification Sherloc (09022015). Collection method: clinical testing. Allele origin: germline.
Comment: This sequence change replaces isoleucine, which is neutral and non-polar, with valine, which is neutral and non-polar, at codon 201 of the LAMP2 protein (p.Ile201Val). This variant is not present in population databases (gnomAD no frequency). This variant has not been reported in the literature in individuals affected with LAMP2-related conditions. ClinVar contains an entry for this variant (Variation ID: 518999). Invitae Evidence Modeling of protein sequence and biophysical properties (such as structural, functional, and spatial information, amino acid conservation, physicochemical variation, residue mobility, and thermodynamic stability) indicates that this missense variant is not expected to disrupt LAMP2 protein function with a negative predictive value of 80%. In summary, the available evidence is currently insufficient to determine the role of this variant in disease. Therefore, it has been classified as a Variant of Uncertain Significance.

GeneDx
Classification: Uncertain significance. Last evaluated: 2022-06-27. Review status: criteria provided, single submitter. Criteria: GeneDx Variant Classification Process June 2021. Collection method: clinical testing. Allele origin: germline. Affected: yes.
Comment: Has not been previously published as pathogenic or benign to our knowledge; Not observed at significant frequency in large population cohorts (gnomAD); In silico analysis supports that this missense variant does not alter protein structure/function

Illumina Laboratory Services, Illumina
Classification: Uncertain significance for Danon disease. Last evaluated: 2018-01-12. Review status: criteria provided, single submitter. Criteria: ICSL Variant Classification Criteria 13 December 2019. Collection method: clinical testing. Allele origin: germline.

Ambry Genetics
Classification: Likely benign for Cardiovascular phenotype. Last evaluated: 2017-05-31. Review status: criteria provided, single submitter. Criteria: Ambry Variant Classification Scheme 2023. Collection method: clinical testing. Allele origin: germline.